The following is an entry in ClinVar:

NM_031407.7(HUWE1):c.5833G>T (p.Val1945Leu)

Gene: HUWE1 (HECT, UBA and WWE domain containing E3 ubiquitin protein ligase 1; minus strand). Cytogenetic location: Xp11.22.
Variant type: single nucleotide variant.
Coding change: c.5833G>T on transcript NM_031407.7 (MANE Select); coding-DNA position 5833, G replaced by T.
Protein change: p.Val1945Leu; replaces valine 1945 with leucine.
Molecular consequence: missense variant.
Genome position (GRCh38, 1-based): chrX:53,576,951, C>A on the plus strand (G>T on the coding strand, the complement: HUWE1 is on the minus strand). VCF-style: chrX-53576951-C-A. GRCh37 (hg19) VCF-style: chrX-53603911-C-A.
Other names: short protein forms V1945L.
Identifiers: ClinVar variation 2135928 (VCV002135928.4), dbSNP rs2524887295, ClinGen allele CA413172041.

ClinVar aggregate classification (germline): Uncertain significance (1 of 4 stars; one submission).

Submission:

Labcorp Genetics (formerly Invitae), Labcorp
Classification: Uncertain significance. Last evaluated: 2022-05-09. Review status: criteria provided, single submitter. Criteria: Invitae Variant Classification Sherloc (09022015). Collection method: clinical testing. Allele origin: germline.
Comment: This sequence change replaces valine, which is neutral and non-polar, with leucine, which is neutral and non-polar, at codon 1945 of the HUWE1 protein (p.Val1945Leu). In summary, the available evidence is currently insufficient to determine the role of this variant in disease. Therefore, it has been classified as a Variant of Uncertain Significance. Advanced modeling of protein sequence and biophysical properties (such as structural, functional, and spatial information, amino acid conservation, physicochemical variation, residue mobility, and thermodynamic stability) performed at Invitae indicates that this missense variant is expected to disrupt HUWE1 protein function. This variant has not been reported in the literature in individuals affected with HUWE1-related conditions. This variant is not present in population databases (gnomAD no frequency).